The following is an entry in ClinVar:

NM_021625.5(TRPV4):c.1174C>T (p.Arg392Trp)

Gene: TRPV4 (transient receptor potential cation channel subfamily V member 4; minus strand). Cytogenetic location: 12q24.11.
Variant type: single nucleotide variant.
Coding change: c.1174C>T on transcript NM_021625.5 (MANE Select); coding-DNA position 1174, C replaced by T.
Protein change: p.Arg392Trp; replaces arginine 392 with tryptophan.
Molecular consequence: missense variant. On other transcripts: intron variant (2).
Genome position (GRCh38, 1-based): chr12:109,796,683, G>A on the plus strand (C>T on the coding strand, the complement: TRPV4 is on the minus strand). VCF-style: chr12-109796683-G-A. GRCh37 (hg19) VCF-style: chr12-110234488-G-A.
Other names: c.1033C>T, p.Arg345Trp (NM_001177428.2); c.1072C>T, p.Arg358Trp (NM_001177431.2); c.1011+1931C>T (NM_001177433.1); c.1152+1931C>T (NM_147204.2); short protein forms R345W, R358W, R392W.
Identifiers: ClinVar variation 916985 (VCV000916985.4), dbSNP rs759501013, ClinGen allele CA6780314.

ClinVar aggregate classification (germline): Uncertain significance. Review status: criteria provided, multiple submitters, no conflicts (2 of 4 stars). 3 submissions from 3 submitters: Uncertain significance (3). Last evaluated 2025-06-18.

Conditions:
Inborn genetic diseases. Identifiers: MedGen C0950123, MeSH D030342.
Charcot-Marie-Tooth disease. Also called: Charcot-Marie-Tooth Neuropathy; Charcot-Marie-Tooth Hereditary Neuropathy. Identifiers: Orphanet 166, MedGen C0007959, MONDO:0015626.
Charcot-Marie-Tooth disease axonal type 2C (HMSN2C). Also called: Charcot-Marie-Tooth Disease Type 2, TRPV4-Related (CMT2C); CHARCOT-MARIE-TOOTH DISEASE, AXONAL, AUTOSOMAL DOMINANT, TYPE 2C; Charcot-Marie-Tooth Neuropathy Type 2C. Identifiers: Orphanet 99937, MedGen C1853710, MONDO:0011633, OMIM 606071.

Allele frequency attached by ClinVar (database versions not stated): ExAC 0.00004; TOPMed 0.00002; gnomAD 0.00001.

Submissions (3):

Labcorp Genetics (formerly Invitae), Labcorp
Classification: Uncertain significance for Charcot-Marie-Tooth disease axonal type 2C. Last evaluated: 2025-06-18. Review status: criteria provided, single submitter. Criteria: Invitae Variant Classification Sherloc (09022015). Collection method: clinical testing. Allele origin: germline.
Comment: This sequence change replaces arginine, which is basic and polar, with tryptophan, which is neutral and slightly polar, at codon 392 of the TRPV4 protein (p.Arg392Trp). This variant is present in population databases (rs759501013, gnomAD 0.02%). This missense change has been observed in individual(s) with Charcot-Marie-Tooth disease (PMID: 32376792). ClinVar contains an entry for this variant (Variation ID: 916985). Invitae Evidence Modeling of protein sequence and biophysical properties (such as structural, functional, and spatial information, amino acid conservation, physicochemical variation, residue mobility, and thermodynamic stability) indicates that this missense variant is expected to disrupt TRPV4 protein function with a positive predictive value of 95%. In summary, the available evidence is currently insufficient to determine the role of this variant in disease. Therefore, it has been classified as a Variant of Uncertain Significance.

Ambry Genetics
Classification: Uncertain significance for Inborn genetic diseases. Last evaluated: 2023-12-26. Review status: criteria provided, single submitter. Criteria: Ambry Variant Classification Scheme 2023. Collection method: clinical testing. Allele origin: germline.

Molecular Genetics Laboratory, London Health Sciences Centre
Classification: Uncertain significance for Charcot-Marie-Tooth disease. Review status: criteria provided, single submitter. Criteria: ACMG Guidelines, 2015. Collection method: clinical testing. Allele origin: germline. Affected: yes.

Literature cited by the submitters: PubMed 32376792 (cited by Labcorp Genetics (formerly Invitae), Labcorp and Ambry Genetics); PubMed 35190550 (cited by Ambry Genetics).